The following is an entry in ClinVar:

ClinVar aggregate classification (germline): Uncertain significance. Review status: reviewed by expert panel (3 of 4 stars). 2 submissions from 2 submitters: Uncertain significance (1). 1 of the submissions does not count toward it. Last evaluated 2024-06-13.

Conditions:
X-linked severe combined immunodeficiency (SCIDX1). Also called: IMMUNODEFICIENCY 4; SCID, X-LINKED; SEVERE COMBINED IMMUNODEFICIENCY, X-LINKED, T CELL-NEGATIVE, B CELL-POSITIVE, NK CELL-NEGATIVE; T-B+ severe combined immunodeficiency due to gamma chain deficiency; X-Linked Combined Immunodeficiency Diseases. Identifiers: Orphanet 276, MedGen C6022468, MONDO:0010315, OMIM 300400. Disease mechanism: loss of function.

Submissions (2):

ClinGen Severe Combined Immunodeficiency Variant Curation Expert Panel, ClinGen
Classification: Uncertain significance for X-linked severe combined immunodeficiency. Last evaluated: 2024-06-13. Review status: reviewed by expert panel. Criteria: ClinGen SCID ACMG Specifications IL2RG V1.0.0. Collection method: curation. Allele origin: germline. Inheritance: X-linked inheritance.
Comment: The c.655T>C (NM_000206.3) variant in IL2RG is a missense variant predicted to cause substitution of Tyrosine by Histidine at amino acid 219 (p.Tyr219His). This variant is absent from gnomAD v4.1.0 (PM2_Supporting). To our knowledge, this variant has not been reported in the literature in individuals affected with SCID/IL2RG-related conditions or in functional studies. In summary, this variant meets the criteria to be classified as a variant of uncertain significance for X-linked T-B+ severe combined immunodeficiency due to gamma chain deficiency based on the ACMG/AMP criteria applied, as specified by the ClinGen SCID VCEP: PM2_Supporting (VCEP specifications version 1).

Hadassah Hebrew University Medical Center
Classification: Likely benign. Last evaluated: 2019-06-20. Review status: criteria provided, single submitter. Criteria: ACMG Guidelines, 2015. Collection method: clinical testing. Allele origin: germline. Inheritance: X-linked inheritance. Affected: yes. Observed: 1 homozygote. Not counted in ClinVar's aggregate classification.

NM_000206.3(IL2RG):c.655T>C (p.Tyr219His)

Gene: IL2RG (interleukin 2 receptor subunit gamma; minus strand). Cytogenetic location: Xq13.1.
Variant type: single nucleotide variant.
Coding change: c.655T>C on transcript NM_000206.3 (MANE Select); coding-DNA position 655, T replaced by C.
Protein change: p.Tyr219His; replaces tyrosine 219 with histidine.
Molecular consequence: missense variant.
Genome position (GRCh38, 1-based): chrX:71,109,330, A>G on the plus strand (T>C on the coding strand, the complement: IL2RG is on the minus strand). VCF-style: chrX-71109330-A-G. GRCh37 (hg19) VCF-style: chrX-70329180-A-G.
Other names: NM_000206.3(IL2RG):c.655T>C; p.Tyr219His; short protein forms Y219H.
Identifiers: ClinVar variation 1172577 (VCV001172577.1), dbSNP rs2147748284, ClinGen allele CA413496034.